The following is an entry in ClinVar:

NM_000243.3(MEFV):c.359C>T (p.Thr120Ile)

Gene: MEFV (MEFV innate immuity regulator, pyrin; minus strand). Cytogenetic location: 16p13.3.
Variant type: single nucleotide variant.
Coding change: c.359C>T on transcript NM_000243.3 (MANE Select); coding-DNA position 359, C replaced by T.
Protein change: p.Thr120Ile; replaces threonine 120 with isoleucine.
Molecular consequence: missense variant. On other transcripts: intron variant (1).
Genome position (GRCh38, 1-based): chr16:3,254,709, G>A on the plus strand (C>T on the coding strand, the complement: MEFV is on the minus strand). VCF-style: chr16-3254709-G-A. GRCh37 (hg19) VCF-style: chr16-3304709-G-A.
Other names: c.277+1602C>T (NM_001198536.2); short protein forms T120I.
Identifiers: ClinVar variation 495754 (VCV000495754.3), dbSNP rs772698222, ClinGen allele CA7860449.
Genomic context (GRCh38, chr16:3,254,709, plus strand): 5'-GCAGCTCCGCCCCCGTACGGCCGAGGGCCGTTCCCCTCGTTCCCCTCGGGGTGGTCTGGA[G>A]TCTTCAGGCTCCTGGGCTTGTTCTCCCCCAGGGAGCTGGACGCTGCGGAATCATCTGTGC-3'
Protein context (NP_000234.1, residues 110-130): LGENKPRSLK[Thr120Ile]PDHPEGNEGN

ClinVar aggregate classification (germline): Likely benign (1 of 4 stars; one submission).

Allele frequency attached by ClinVar (database versions not stated): ExAC 0.00001; gnomAD exomes below 0.00001; gnomAD 0.00001.

Submission:

Women's Health and Genetics/Laboratory Corporation of America, LabCorp
Classification: Likely benign. Last evaluated: 2022-06-27. Review status: criteria provided, single submitter. Criteria: LabCorp Variant Classification Summary - May 2015. Collection method: clinical testing. Allele origin: germline.
Comment: Variant summary: MEFV c.359C>T (p.Thr120Ile) results in a non-conservative amino acid change in the encoded protein sequence. Four of five in-silico tools predict a benign effect of the variant on protein function. Consistently, a recently developed metapredictor tool that combined 18 individual prediction scores and 13 different in-silico predictors (REVEL) has proposed a classification for this variant as "likely benign" (Accetturo_2020). This is also consisent with the classification of "likely benign" proposed by the International Study Group for Systemic Autoinflammatory Diseases (INSAID) that critically reviewed the clinical information for 858 variants in four genes to include MEFV (Accetturo_2020). The variant allele was found at a frequency of 4e-06 in 247432 control chromosomes. The available data on variant occurrences in the general population are insufficient to allow any conclusion about variant significance. To our knowledge, no occurrence of c.359C>T in individuals affected with Familial Mediterranean Fever and no experimental evidence demonstrating its impact on protein function have been reported. No other clinical diagnostic laboratories have submitted clinical-significance assessments for this variant to ClinVar after 2014. Based on the evidence outlined above, the variant was classified as likely benign.

Literature cited by the submitters: PubMed 31411330.